The following is an entry in ClinVar:

NM_001267550.2(TTN):c.78849A>G (p.Val26283=)

Genes: TTN-AS1 (TTN antisense RNA 1; plus strand), TTN (titin; minus strand). Cytogenetic location: 2q31.2.
Variant type: single nucleotide variant.
Coding change: c.78849A>G on transcript NM_001267550.2 (MANE Select); coding-DNA position 78849, A replaced by G.
Protein change: p.Val26283=; no amino-acid change (valine 26283 retained).
Molecular consequence: synonymous variant.
Genome position (GRCh38, 1-based): chr2:178,567,283, T>C on the plus strand (A>G on the coding strand, the complement: TTN is on the minus strand). VCF-style: chr2-178567283-T-C. GRCh37 (hg19) VCF-style: chr2-179432010-T-C.
Other names: p.Val24642=; c.73926A>G, p.Val24642= (NM_001256850.1); c.51654A>G, p.Val17218= (NM_003319.4); c.71145A>G, p.Val23715= (NM_133378.4); c.52029A>G, p.Val17343= (NM_133432.3); c.52230A>G, p.Val17410= (NM_133437.4).
Identifiers: ClinVar variation 1745746 (VCV001745746.6), dbSNP rs989376303, ClinGen allele CA60991080.
Genomic context (GRCh38, chr2:178,567,283, plus strand): 5'-TTTTTCAGAAGTGACTCCAGTAACCTGGACTGGCCCTTCTGGAGGTCCTGGTCTATCTAA[T>C]ACTTTTACATTTACTGGGAATGACTTAGAACCTGCAACATTGGAAGCTCTTAAAATATAC-3'
Protein context (NP_001254479.2, residues 26273-26293): GSKSFPVNVK[Val26283=]LDRPGPPEGP

ClinVar aggregate classification (germline): Likely benign. Review status: criteria provided, multiple submitters, no conflicts (2 of 4 stars). 3 submissions from 3 submitters: Likely benign (3). Last evaluated 2026-02-02.

Conditions:
Cardiovascular phenotype. Identifiers: MedGen CN230736.
Autosomal recessive limb-girdle muscular dystrophy type 2J (LGMDR10). Also called: Limb-girdle muscular dystrophy, type 2J; MUSCULAR DYSTROPHY, LIMB-GIRDLE, AUTOSOMAL RECESSIVE 10. Identifiers: Orphanet 140922, MedGen C1837342, MONDO:0012127, OMIM 608807.
Dilated cardiomyopathy 1G (CMD1G). Identifiers: Orphanet 154, MedGen C1858763, MONDO:0011400, OMIM 604145.

Allele frequency attached by ClinVar (database versions not stated): gnomAD exomes below 0.00001; gnomAD 0.00001; TOPMed 0.00001.
gnomAD v4.1: 4 of 1,606,812 alleles (0.00025%); highest among the groups gnomAD compares: African/African-American, 0.004%; no homozygotes.

Submissions (3):

Labcorp Genetics (formerly Invitae), Labcorp
Classification: Likely benign for Dilated cardiomyopathy 1G; Autosomal recessive limb-girdle muscular dystrophy type 2J. Last evaluated: 2026-02-02. Review status: criteria provided, single submitter. Criteria: Invitae Variant Classification Sherloc (09022015). Collection method: clinical testing. Allele origin: germline.

Mayo Clinic Laboratories, Mayo Clinic
Classification: Likely benign. Last evaluated: 2025-10-21. Review status: criteria provided, single submitter. Criteria: ACMG Guidelines, 2015. Collection method: clinical testing. Allele origin: germline. Observed: 1 variant allele.
Comment: BP4, BP7

Ambry Genetics
Classification: Likely benign for Cardiovascular phenotype. Last evaluated: 2018-11-09. Review status: criteria provided, single submitter. Criteria: Ambry Variant Classification Scheme 2023. Collection method: clinical testing. Allele origin: germline.